The following is an entry in ClinVar:

ClinVar aggregate classification (germline): Uncertain significance (1 of 4 stars; one submission).

Submission:

Labcorp Genetics (formerly Invitae), Labcorp
Classification: Uncertain significance. Last evaluated: 2023-10-03. Review status: criteria provided, single submitter. Criteria: Invitae Variant Classification Sherloc (09022015). Collection method: clinical testing. Allele origin: germline.
Comment: This sequence change falls in intron 51 of the USH2A gene. It does not directly change the encoded amino acid sequence of the USH2A protein. It affects a nucleotide within the consensus splice site. This variant is not present in population databases (gnomAD no frequency). This variant has not been reported in the literature in individuals affected with USH2A-related conditions. Variants that disrupt the consensus splice site are a relatively common cause of aberrant splicing (PMID: 17576681, 9536098). Algorithms developed to predict the effect of sequence changes on RNA splicing suggest that this variant is not likely to affect RNA splicing. In summary, the available evidence is currently insufficient to determine the role of this variant in disease. Therefore, it has been classified as a Variant of Uncertain Significance.

Literature cited by the submitters: PubMed 17576681; PubMed 9536098.

NM_206933.4(USH2A):c.10182+6del

Gene: USH2A (usherin; minus strand). Cytogenetic location: 1q41.
Variant type: Deletion.
Coding change: c.10182+6del on transcript NM_206933.4 (MANE Select); 6 bases into the intron after coding-DNA position 10182, one base deleted (T; older notation c.10182+6delT).
Molecular consequence: intron variant.
Genome position (GRCh38, 1-based): chr1:215,790,053, A deleted on the plus strand (T on the coding strand, the reverse complement: USH2A is on the minus strand); the first of 2 consecutive A bases (chr1:215,790,053-215,790,054); deleting either gives the same sequence. VCF-style (leftmost placement, unchanged base first): chr1-215790052-CA-C. GRCh37 (hg19) VCF-style: chr1-215963394-CA-C.
Identifiers: ClinVar variation 2741767 (VCV002741767.3), dbSNP rs2464419084, ClinGen allele CA2697554908.